The following is an entry in ClinVar:

ClinVar aggregate classification (germline): Uncertain significance (1 of 4 stars; one submission).

Submission:

GeneDx
Classification: Uncertain significance. Last evaluated: 2022-09-23. Review status: criteria provided, single submitter. Criteria: GeneDx Variant Classification Process June 2021. Collection method: clinical testing. Allele origin: germline. Affected: yes.
Comment: Not observed at significant frequency in large population cohorts (gnomAD); In silico analysis supports that this missense variant has a deleterious effect on protein structure/function; Has not been previously published as pathogenic or benign to our knowledge

NM_182925.5(FLT4):c.251G>A (p.Cys84Tyr)

Gene: FLT4 (fms related receptor tyrosine kinase 4; minus strand). Cytogenetic location: 5q35.3.
Variant type: single nucleotide variant.
Coding change: c.251G>A on transcript NM_182925.5 (MANE Select); coding-DNA position 251, G replaced by A.
Protein change: p.Cys84Tyr; replaces cysteine 84 with tyrosine.
Molecular consequence: missense variant.
Genome position (GRCh38, 1-based): chr5:180,630,704, C>T on the plus strand (G>A on the coding strand, the complement: FLT4 is on the minus strand). VCF-style: chr5-180630704-C-T. GRCh37 (hg19) VCF-style: chr5-180057704-C-T.
Other names: c.251G>A, p.Cys84Tyr (NM_001354989.2, NM_002020.5); short protein forms C84Y.
Identifiers: ClinVar variation 2446283 (VCV002446283.1), dbSNP rs2480997010, ClinGen allele CA362507046.
Genomic context (GRCh38, chr5:180,630,704, plus strand): 5'-TTGGCATGTACCTCGTGCAGCAGCAACACCTTGCAGTAGGGCCTGGCGTCTGTGCCCTCG[C>T]AGTCTCGCACCACCCCCGTGTCCTCGCTGTCCTTGTCTCCGGTGGCTGGCGCCTCCTGAG-3'
Protein context (NP_891555.2, residues 74-94): DSEDTGVVRD[Cys84Tyr]EGTDARPYCK